The following is an entry in ClinVar:

ClinVar aggregate classification (germline): Uncertain significance (1 of 4 stars; one submission).

Conditions:
Renal dysplasia, cystic, susceptibility to. Identifiers: MedGen C3275898, MONDO:0011037, OMIM 601331.

Submission:

MVZ Medizinische Genetik Mainz
Classification: Uncertain significance for Renal dysplasia, cystic, susceptibility to. Last evaluated: 2025-02-07. Review status: criteria provided, single submitter. Criteria: UK Practice Guidelines For Variant Classification V4 01 2020. Collection method: clinical testing. Allele origin: germline. Inheritance: Autosomal dominant inheritance. Affected: yes. Observed: 1 variant allele.
Comment: ACMG Criteria: PM2_SUP,PP3

NM_001080512.3(BICC1):c.2274G>T (p.Trp758Cys)

Genes: BICC1 (BicC family RNA binding protein 1; plus strand), LOC126860938 (MED14-independent group 3 enhancer GRCh37_chr10:60566642-60567841; plus strand). Cytogenetic location: 10q21.1.
Variant type: single nucleotide variant.
Coding change: c.2274G>T on transcript NM_001080512.3 (MANE Select); coding-DNA position 2274, G replaced by T.
Protein change: p.Trp758Cys; replaces tryptophan 758 with cysteine.
Molecular consequence: missense variant.
Genome position (GRCh38, 1-based): chr10:58,807,056, G>T. VCF-style: chr10-58807056-G-T. GRCh37 (hg19) VCF-style: chr10-60566816-G-T.
Other names: short protein forms W758C.
Identifiers: ClinVar variation 3764798 (VCV003764798.1).